The following is an entry in ClinVar:

NM_007254.4(PNKP):c.1337_1342del (p.Arg446_Phe448delinsLeu)

Gene: PNKP (polynucleotide kinase 3'-phosphatase; minus strand). Cytogenetic location: 19q13.33.
Variant type: Deletion.
Coding change: c.1337_1342del on transcript NM_007254.4 (MANE Select); coding-DNA positions 1337 to 1342, 6 bases deleted (GCTGCT; older notation c.1337_1342delGCTGCT).
Protein change: p.Arg446_Phe448delinsLeu.
Molecular consequence: inframe indel.
Genome position (GRCh38, 1-based): chr19:49,861,652-49,861,657, AGCAGC deleted on the plus strand (GCTGCT on the coding strand, the reverse complement: PNKP is on the minus strand). VCF-style (leftmost placement, unchanged base first): chr19-49861651-AAGCAGC-A. GRCh37 (hg19) VCF-style: chr19-50364908-AAGCAGC-A.
Identifiers: ClinVar variation 1524728 (VCV001524728.8), dbSNP rs2122318958, ClinGen allele CA2573156611.

ClinVar aggregate classification (germline): Uncertain significance (1 of 4 stars; one submission).

Conditions:
Developmental and epileptic encephalopathy, 12 (DEE12). Identifiers: MedGen C3150988, MONDO:0013389, OMIM 613722.

Submission:

Labcorp Genetics (formerly Invitae), Labcorp
Classification: Uncertain significance for Developmental and epileptic encephalopathy, 12. Last evaluated: 2022-04-06. Review status: criteria provided, single submitter. Criteria: Invitae Variant Classification Sherloc (09022015). Collection method: clinical testing. Allele origin: germline.
Comment: This variant is not present in population databases (gnomAD no frequency). In summary, the available evidence is currently insufficient to determine the role of this variant in disease. Therefore, it has been classified as a Variant of Uncertain Significance. Experimental studies and prediction algorithms are not available or were not evaluated, and the functional significance of this variant is currently unknown. This variant has not been reported in the literature in individuals affected with PNKP-related conditions. This variant, c.1337_1342del, is a complex sequence change that results in the deletion of 3 and insertion of 1 amino acid(s) in the PNKP protein (p.Arg446_Phe448delinsLeu).